The following is an entry in ClinVar:

ClinVar aggregate classification (germline): Likely pathogenic (1 of 4 stars; one submission).

Conditions:
ERBB3-related disorder. Also called: ERBB3-related condition.

Submission:

PreventionGenetics, part of Exact Sciences
Classification: Likely pathogenic for ERBB3-related condition. Last evaluated: 2023-09-15. Review status: criteria provided, single submitter. Criteria: ACMG Guidelines, 2015. Collection method: clinical testing. Allele origin: germline.
Comment: The ERBB3 c.1881_1891del11 variant is predicted to result in a frameshift and premature protein termination (p.Asp628Thrfs*43). To our knowledge, this variant has not been reported in the literature or in a large population database, indicating this variant is rare. Frameshift variants in ERBB3 are expected to be pathogenic. This variant is interpreted as likely pathogenic.

NM_001982.4(ERBB3):c.1881_1891del (p.Asp628fs)

Gene: ERBB3 (erb-b2 receptor tyrosine kinase 3; plus strand). Cytogenetic location: 12q13.2.
Variant type: Deletion.
Coding change: c.1881_1891del on transcript NM_001982.4 (MANE Select); coding-DNA positions 1881 to 1891, 11 bases deleted (AGACTGTTTAG).
Protein change: p.Asp628fs; shifts the reading frame from aspartic acid 628.
Molecular consequence: frameshift variant.
Genome position (GRCh38, 1-based): chr12:56,095,278-56,095,288, AGACTGTTTAG deleted. VCF-style (leftmost placement, unchanged base first): chr12-56095277-AAGACTGTTTAG-A. GRCh37 (hg19) VCF-style: chr12-56489061-AAGACTGTTTAG-A.
Other names: c.1881_1891del11 (NM_001982.3); short protein forms D628fs.
Identifiers: ClinVar variation 2631098 (VCV002631098.1), dbSNP rs2540758459, ClinGen allele CA2695199092.